The following is an entry in ClinVar:

ClinVar aggregate classification (germline): Uncertain significance (1 of 4 stars; one submission).

Allele frequency attached by ClinVar (database versions not stated): gnomAD exomes below 0.00001; TOPMed 0.00001.
gnomAD v4.1: 6 of 1,612,904 alleles (0.00037%); highest among the groups gnomAD compares: Admixed American, 0.0017%; no homozygotes.

Submission:

GeneDx
Classification: Uncertain significance. Last evaluated: 2022-07-01. Review status: criteria provided, single submitter. Criteria: GeneDx Variant Classification Process June 2021. Collection method: clinical testing. Allele origin: germline. Affected: yes.
Comment: Not observed at significant frequency in large population cohorts (gnomAD); In silico analysis supports that this missense variant does not alter protein structure/function; Has not been previously published as pathogenic or benign to our knowledge; This variant is associated with the following publications: (PMID: 15537665)

NM_022124.6(CDH23):c.8833A>G (p.Ile2945Val)

Gene: CDH23 (cadherin related 23; plus strand). Cytogenetic location: 10q22.1.
Variant type: single nucleotide variant.
Coding change: c.8833A>G on transcript NM_022124.6 (MANE Select); coding-DNA position 8833, A replaced by G.
Protein change: p.Ile2945Val; replaces isoleucine 2945 with valine.
Molecular consequence: missense variant.
Genome position (GRCh38, 1-based): chr10:71,809,930, A>G. VCF-style: chr10-71809930-A-G. GRCh37 (hg19) VCF-style: chr10-73569687-A-G.
Other names: c.2113A>G, p.Ile705Val (NM_001171933.1, NM_001171934.1); short protein forms I2945V, I705V.
Identifiers: ClinVar variation 1810163 (VCV001810163.1), dbSNP rs1221196157, ClinGen allele CA377133425.